The following is an entry in ClinVar:

ClinVar aggregate classification (germline): Pathogenic. Review status: criteria provided, multiple submitters, no conflicts (2 of 4 stars). 8 submissions from 8 submitters: Pathogenic (8). Last evaluated 2025-08-24.

Conditions:
Juvenile polyposis syndrome (JPS). Identifiers: Orphanet 2929, MedGen C0345893, MONDO:0017380, OMIM 174900.
Hereditary cancer-predisposing syndrome. Also called: Tumor predisposition; Hereditary Cancer Syndrome; Hereditary neoplastic syndrome; Neoplastic Syndromes, Hereditary. Identifiers: Orphanet 140162, MedGen C0027672, MeSH D009386, MONDO:0015356.
Polyposis syndrome, hereditary mixed, 2. Identifiers: Orphanet 157794, MedGen C1864730, MONDO:0012405, OMIM 610069.
Generalized juvenile polyposis/juvenile polyposis coli. Also called: Juvenile polyposis coli. Identifiers: Orphanet 329971, MedGen C1868081, MONDO:0008276.

Allele frequency attached by ClinVar (database versions not stated): ExAC 0.00001; gnomAD exomes 0.00001.
gnomAD v4.1: 4 of 1,612,920 alleles (0.00025%); highest among the groups gnomAD compares: East Asian, 0.0022%; no homozygotes.

Submissions (8):

Labcorp Genetics (formerly Invitae), Labcorp
Classification: Pathogenic for Juvenile polyposis syndrome. Last evaluated: 2025-08-24. Review status: criteria provided, single submitter. Criteria: Invitae Variant Classification Sherloc (09022015). Collection method: clinical testing. Allele origin: germline.
Comment: This sequence change creates a premature translational stop signal (p.Arg361*) in the BMPR1A gene. It is expected to result in an absent or disrupted protein product. Loss-of-function variants in BMPR1A are known to be pathogenic (PMID: 11536076, 12417513). This variant is present in population databases (rs764466442, gnomAD 0.007%). This premature translational stop signal has been observed in individuals with juvenile polyposis syndrome (PMID: 11536076, 17873119). ClinVar contains an entry for this variant (Variation ID: 183728). For these reasons, this variant has been classified as Pathogenic.

Ambry Genetics
Classification: Pathogenic for Hereditary cancer-predisposing syndrome. Last evaluated: 2025-04-07. Review status: criteria provided, single submitter. Criteria: Ambry Variant Classification Scheme 2023. Collection method: clinical testing. Allele origin: germline.
Comment: The p.R361* pathogenic mutation (also known as c.1081C>T), located in coding exon 8 of the BMPR1A gene, results from a C to T substitution at nucleotide position 1081. This changes the amino acid from an arginine to a stop codon within coding exon 8. This alteration has been previously reported in two families affected with juvenile polyposis syndrome (JPS) (Zhou XP, Am. J. Hum. Genet. 2001 Oct; 69(4):704-11; Aretz S et al. J. Med. Genet., 2007 Nov;44:702-9). In addition to the clinical data presented in the literature, this alteration is expected to result in loss of function by premature protein truncation or nonsense-mediated mRNA decay. As such, this alteration is interpreted as a disease-causing mutation.

Myriad Genetics, Inc.
Classification: Pathogenic for Juvenile polyposis syndrome. Last evaluated: 2023-05-26. Review status: criteria provided, single submitter. Criteria: Myriad Autosomal Dominant, Autosomal Recessive and X-Linked Classification Criteria (2023). Collection method: clinical testing. Allele origin: unknown.
Comment: This variant is considered pathogenic. This variant creates a termination codon and is predicted to result in premature protein truncation.

Baylor Genetics
Classification: Pathogenic for Polyposis syndrome, hereditary mixed, 2. Last evaluated: 2021-07-04. Review status: criteria provided, single submitter. Criteria: ACMG Guidelines, 2015. Collection method: clinical testing. Allele origin: unknown.

GeneDx
Classification: Pathogenic. Last evaluated: 2021-04-14. Review status: criteria provided, single submitter. Criteria: GeneDx Variant Classification Process June 2021. Collection method: clinical testing. Allele origin: germline. Affected: yes.
Comment: Nonsense variant predicted to result in protein truncation or nonsense mediated decay in a gene for which loss-of-function is a known mechanism of disease; Not observed at a significant frequency in large population cohorts (Lek 2016); This variant is associated with the following publications: (PMID: 25525159, 27823983, 11536076, 17873119)

Department of Molecular Diagnostics, Institute of Oncology Ljubljana
Classification: Pathogenic for Juvenile polyposis syndrome. Last evaluated: 2020-04-02. Review status: criteria provided, single submitter. Criteria: ACMG Guidelines, 2015. Collection method: clinical testing. Allele origin: germline. Affected: yes.

Color Diagnostics, LLC DBA Color Health
Classification: Pathogenic for Hereditary cancer-predisposing syndrome. Last evaluated: 2020-01-15. Review status: criteria provided, single submitter. Criteria: ACMG Guidelines, 2015. Collection method: clinical testing. Allele origin: germline.
Comment: This variant changes 1 nucleotide in exon 10 of the BMPR1A gene, creating a premature translation stop signal. This variant is expected to result in an absent or non-functional protein product. This variant has been identified in 2/250726 chromosomes in the general population by the Genome Aggregation Database (gnomAD). Loss of BMPR1A function is a known mechanism of disease. Based on the available evidence, this variant is classified as Pathogenic.

Revvity Omics, Revvity
Classification: Pathogenic. Last evaluated: 2019-04-17. Review status: criteria provided, single submitter. Criteria: ACMG Guidelines, 2015. Collection method: clinical testing. Allele origin: germline.

Literature cited by the submitters: PubMed 11536076 (cited by Labcorp Genetics (formerly Invitae), Labcorp and Ambry Genetics); PubMed 12417513 (cited by Labcorp Genetics (formerly Invitae), Labcorp); PubMed 17873119 (cited by Labcorp Genetics (formerly Invitae), Labcorp and Ambry Genetics); PubMed 25525159 (cited by Ambry Genetics).

NM_004329.3(BMPR1A):c.1081C>T (p.Arg361Ter)

Gene: BMPR1A (bone morphogenetic protein receptor type 1A; plus strand). Cytogenetic location: 10q23.2.
Variant type: single nucleotide variant.
Coding change: c.1081C>T on transcript NM_004329.3 (MANE Select); coding-DNA position 1081, C replaced by T.
Protein change: p.Arg361Ter; replaces arginine 361 with a stop codon.
Molecular consequence: nonsense.
Genome position (GRCh38, 1-based): chr10:86,919,384, C>T. VCF-style: chr10-86919384-C-T. GRCh37 (hg19) VCF-style: chr10-88679141-C-T.
Other names: short protein forms R361*.
Identifiers: ClinVar variation 183728 (VCV000183728.25), dbSNP rs764466442, ClinGen allele CA186249.